The following is an entry in ClinVar:

NM_003737.4(DCHS1):c.4123C>T (p.Pro1375Ser)

Gene: DCHS1 (dachsous cadherin-related 1; minus strand). Cytogenetic location: 11p15.4.
Variant type: single nucleotide variant.
Coding change: c.4123C>T on transcript NM_003737.4 (MANE Select); coding-DNA position 4123, C replaced by T.
Protein change: p.Pro1375Ser; replaces proline 1375 with serine.
Molecular consequence: missense variant.
Genome position (GRCh38, 1-based): chr11:6,630,671, G>A on the plus strand (C>T on the coding strand, the complement: DCHS1 is on the minus strand). VCF-style: chr11-6630671-G-A. GRCh37 (hg19) VCF-style: chr11-6651902-G-A.
Other names: short protein forms P1375S.
Identifiers: ClinVar variation 4803245 (VCV004803245.1).

ClinVar aggregate classification (germline): Uncertain significance (1 of 4 stars; one submission).

Submission:

Labcorp Genetics (formerly Invitae), Labcorp
Classification: Uncertain significance. Last evaluated: 2025-02-19. Review status: criteria provided, single submitter. Criteria: Invitae Variant Classification Sherloc (09022015). Collection method: clinical testing. Allele origin: germline.
Comment: This sequence change replaces proline, which is neutral and non-polar, with serine, which is neutral and polar, at codon 1375 of the DCHS1 protein (p.Pro1375Ser). This variant is not present in population databases (gnomAD no frequency). This variant has not been reported in the literature in individuals affected with DCHS1-related conditions. Invitae Evidence Modeling of protein sequence and biophysical properties (such as structural, functional, and spatial information, amino acid conservation, physicochemical variation, residue mobility, and thermodynamic stability) indicates that this missense variant is not expected to disrupt DCHS1 protein function with a negative predictive value of 95%. In summary, the available evidence is currently insufficient to determine the role of this variant in disease. Therefore, it has been classified as a Variant of Uncertain Significance.